The following is an entry in ClinVar:

ClinVar aggregate classification (germline): Uncertain significance (1 of 4 stars; one submission).

Conditions:
Deficiency of malonyl-CoA decarboxylase. Also called: Malonic aciduria; MCD deficiency. Identifiers: Orphanet 943, MedGen C0342793, MONDO:0009556, OMIM 248360.

Submission:

Labcorp Genetics (formerly Invitae), Labcorp
Classification: Uncertain significance for Deficiency of malonyl-CoA decarboxylase. Last evaluated: 2022-07-12. Review status: criteria provided, single submitter. Criteria: Invitae Variant Classification Sherloc (09022015). Collection method: clinical testing. Allele origin: germline.
Comment: This variant, c.1135_1137del, results in the deletion of 1 amino acid(s) of the MLYCD protein (p.Leu379del), but otherwise preserves the integrity of the reading frame. This variant is present in population databases (no rsID available, gnomAD 0.0009%). This variant has not been reported in the literature in individuals affected with MLYCD-related conditions. Experimental studies and prediction algorithms are not available or were not evaluated, and the functional significance of this variant is currently unknown. In summary, the available evidence is currently insufficient to determine the role of this variant in disease. Therefore, it has been classified as a Variant of Uncertain Significance.

NM_012213.3(MLYCD):c.1129CTC[2] (p.Leu379del)

Gene: MLYCD (malonyl-CoA decarboxylase; plus strand). Cytogenetic location: 16q23.3.
Variant type: Microsatellite.
Coding change: c.1129CTC[2] on transcript NM_012213.3 (MANE Select); two copies in a row of the 3-base unit CTC starting at c.1129; the reference has three copies in a row; one copy, 3 bases deleted.
Protein change: p.Leu379del; deletes leucine 379.
Molecular consequence: inframe deletion.
Genome position (GRCh38, 1-based): chr16:83,915,142-83,915,144, CTC deleted; deleting any 3 consecutive bases within chr16:83,915,136-83,915,144 gives the same sequence; the position shown is the placement nearest the transcript's 3' end. VCF-style (leftmost placement, unchanged base first): chr16-83915135-GCTC-G. GRCh37 (hg19) VCF-style: chr16-83948740-GCTC-G.
Other names: short protein forms L379del.
Identifiers: ClinVar variation 1905536 (VCV001905536.2), dbSNP rs1567636991, ClinGen allele CA497001343.
Genomic context (GRCh38, chr16:83,915,135, plus strand): 5'-AGATTCGGAATGTAAGGAAATCTCGGAGATCACAGGTGGCCCCATTAACGAGACCCTCAA[GCTC>G]CTCCTCAGCAGCAGCGAGTGGGTGCAGTCGGAGAAGCTGGTGCGGGCGCTGCAGACTCCG-3'